The following is an entry in ClinVar:

NM_001348800.3(ZBTB20):c.1250C>G (p.Ala417Gly)

Gene: ZBTB20 (zinc finger and BTB domain containing 20; minus strand). Cytogenetic location: 3q13.31.
Variant type: single nucleotide variant.
Coding change: c.1250C>G on transcript NM_001348800.3 (MANE Select); coding-DNA position 1250, C replaced by G.
Protein change: p.Ala417Gly; replaces alanine 417 with glycine.
Molecular consequence: missense variant.
Genome position (GRCh38, 1-based): chr3:114,350,828, G>C on the plus strand (C>G on the coding strand, the complement: ZBTB20 is on the minus strand). VCF-style: chr3-114350828-G-C. GRCh37 (hg19) VCF-style: chr3-114069675-G-C.
Other names: c.1250C>G (NM_001164342.1); c.1250C>G, p.Ala417Gly (NM_001164342.2, NM_001348803.3, NM_001393393.1 and 1 more transcripts); c.1031C>G, p.Ala344Gly (NM_001164343.2, NM_001164344.4, NM_001164345.4 and 9 more transcripts); short protein forms A344G, A417G.
Identifiers: ClinVar variation 724490 (VCV000724490.44), dbSNP rs149352178, ClinGen allele CA2551336.

ClinVar aggregate classification (germline): Benign/Likely benign. Review status: criteria provided, multiple submitters, no conflicts (2 of 4 stars). 6 submissions from 6 submitters: Benign (1); Likely benign (3). 2 of the submissions do not count toward it. Last evaluated 2026-07-01.

Conditions:
Inborn genetic diseases. Identifiers: MedGen C0950123, MeSH D030342.

Allele frequency attached by ClinVar (database versions not stated): 1000 Genomes Project 0.00060; 1000 Genomes Project 30x 0.00062; TOPMed 0.00193; ESP Exome Variant Server 0.00238; gnomAD exomes 0.00240 and 0.00292; ExAC 0.00241; gnomAD 0.00265 and 0.00277.
gnomAD v4.1: 4,602 of 1,613,136 alleles (0.29%); highest among the groups gnomAD compares: Non-Finnish European, 0.34%; 13 homozygotes.

Submissions (8):

CeGaT Center for Human Genetics Tuebingen
Classification: Likely benign. Last evaluated: 2026-07-01. Review status: criteria provided, single submitter. Criteria: CeGaT Center For Human Genetics Tuebingen Variant Classification Criteria Version 2. Collection method: clinical testing. Allele origin: germline. Affected: yes. Observed: 28 variant alleles.
Comment: ZBTB20: BP4, BS2

Labcorp Genetics (formerly Invitae), Labcorp
Classification: Benign. Last evaluated: 2026-01-26. Review status: criteria provided, single submitter. Criteria: Invitae Variant Classification Sherloc (09022015). Collection method: clinical testing. Allele origin: germline.

Blueprint Genetics
Classification: Likely benign. Last evaluated: 2024-11-15. Review status: criteria provided, single submitter. Criteria: ACMG Guidelines, 2015. Collection method: clinical testing. Allele origin: germline.

Ambry Genetics
Classification: Likely benign for Inborn genetic diseases. Last evaluated: 2022-01-26. Review status: criteria provided, single submitter. Criteria: Ambry Variant Classification Scheme 2023. Collection method: clinical testing. Allele origin: germline.

Clinical Genetics DNA and cytogenetics Diagnostics Lab, Erasmus MC, Erasmus Medical Center
Classification: Likely benign. Review status: no assertion criteria provided. Collection method: clinical testing. Allele origin: germline. Affected: yes. Study: VKGL Data-share Consensus. Not counted in ClinVar's aggregate classification.

Dr. Peter K. Rogan Lab, Western University
No classification provided (evidence only). Condition: Familial cancer of breast. Review status: no classification provided. Collection method: in vitro. Allele origin: not applicable. Functional consequence: skipped exon. Not counted in ClinVar's aggregate classification.

Dr. Peter K. Rogan Lab, Western University
No classification provided (evidence only). Condition: Gastric cancer. Review status: no classification provided. Collection method: in vitro. Allele origin: not applicable. Functional consequence: skipped exon. Not counted in ClinVar's aggregate classification.

Laboratory of Diagnostic Genome Analysis, Leiden University Medical Center (LUMC)
Classification: Likely benign. Review status: no assertion criteria provided. Collection method: clinical testing. Allele origin: germline. Affected: yes. Study: VKGL Data-share Consensus. Not counted in ClinVar's aggregate classification.